The following is an entry in ClinVar:

NM_003611.3(OFD1):c.1655-10T>C

Gene: OFD1 (OFD1 centriole and centriolar satellite protein; plus strand). Cytogenetic location: Xp22.2.
Variant type: single nucleotide variant.
Coding change: c.1655-10T>C on transcript NM_003611.3 (MANE Select); 10 bases into the intron before coding-DNA position 1655, T replaced by C.
Molecular consequence: intron variant.
Genome position (GRCh38, 1-based): chrX:13,760,105, T>C. VCF-style: chrX-13760105-T-C. GRCh37 (hg19) VCF-style: chrX-13778224-T-C.
Other names: c.1235-10T>C (NM_001330210.2); c.1655-10T>C (NM_001440947.1); c.1535-10T>C (NM_001330209.2, NM_001440948.1).
Identifiers: ClinVar variation 4885559 (VCV004885559.2).

ClinVar aggregate classification (germline): Uncertain significance (1 of 4 stars; one submission).

Submission:

Dasa
Classification: Uncertain significance. Last evaluated: 2025-03-28. Review status: criteria provided, single submitter. Criteria: DASA Assertion Criteria. Collection method: clinical testing. Allele origin: germline.
Comment: NM_003611.3(OFD1):c.1655-10T>C is a splice-region variant. This variant is absent from population databases. Computational prediction algorithms are consistent with a benign effect. The currently available literature and clinical evidence are not sufficient to establish a definitive association between this variant and the reported condition. Therefore, this variant is classified as a variant of uncertain significance.